The following is an entry in ClinVar:

NM_001039141.3(TRIOBP):c.6974A>G (p.Tyr2325Cys)

Gene: TRIOBP (TRIO and F-actin binding protein; plus strand). Cytogenetic location: 22q13.1.
Variant type: single nucleotide variant.
Coding change: c.6974A>G on transcript NM_001039141.3 (MANE Select); coding-DNA position 6974, A replaced by G.
Protein change: p.Tyr2325Cys; replaces tyrosine 2325 with cysteine.
Molecular consequence: missense variant.
Genome position (GRCh38, 1-based): chr22:37,772,638, A>G. VCF-style: chr22-37772638-A-G. GRCh37 (hg19) VCF-style: chr22-38168645-A-G.
Other names: c.1835A>G, p.Tyr612Cys (NM_007032.5); short protein forms Y612C, Y2325C.
Identifiers: ClinVar variation 2353286 (VCV002353286.3), dbSNP rs186161850, ClinGen allele CA10225311.

ClinVar aggregate classification (germline): Uncertain significance. Review status: criteria provided, multiple submitters, no conflicts (2 of 4 stars). 2 submissions from 2 submitters: Uncertain significance (2). Last evaluated 2023-10-16.

Conditions:
Inborn genetic diseases. Identifiers: MedGen C0950123, MeSH D030342.

Allele frequency attached by ClinVar (database versions not stated): 1000 Genomes Project 0.00040; 1000 Genomes Project 30x 0.00047.
gnomAD v4.1: 72 of 1,614,162 alleles (0.0045%); highest among the groups gnomAD compares: Admixed American, 0.023%; no homozygotes.

Submissions (2):

GeneDx
Classification: Uncertain significance. Last evaluated: 2023-10-16. Review status: criteria provided, single submitter. Criteria: GeneDx Variant Classification Process June 2021. Collection method: clinical testing. Allele origin: germline. Affected: yes.
Comment: In silico analysis supports that this missense variant has a deleterious effect on protein structure/function; Has not been previously published as pathogenic or benign to our knowledge

Ambry Genetics
Classification: Uncertain significance for Inborn genetic diseases. Last evaluated: 2021-08-10. Review status: criteria provided, single submitter. Criteria: Ambry Variant Classification Scheme 2023. Collection method: clinical testing. Allele origin: germline.